The following is an entry in ClinVar:

ClinVar aggregate classification (germline): Likely benign. Review status: criteria provided, multiple submitters, no conflicts (2 of 4 stars). 2 submissions from 2 submitters: Likely benign (2). Last evaluated 2026-01-01.

Conditions:
Epileptic encephalopathy. Identifiers: MedGen C0543888, HP:0200134.

Allele frequency attached by ClinVar (database versions not stated): gnomAD 0.00002; gnomAD exomes 0.00003 and 0.00004; TOPMed 0.00003; ExAC 0.00005.
gnomAD v4.1: 43 of 1,613,208 alleles (0.0027%); highest among the groups gnomAD compares: South Asian, 0.013%; no homozygotes.

Submissions (2):

CeGaT Center for Human Genetics Tuebingen
Classification: Likely benign. Last evaluated: 2026-01-01. Review status: criteria provided, single submitter. Criteria: CeGaT Center For Human Genetics Tuebingen Variant Classification Criteria Version 2. Collection method: clinical testing. Allele origin: germline. Affected: yes. Observed: 1 variant allele.
Comment: RYR3: BP4, BP7

Labcorp Genetics (formerly Invitae), Labcorp
Classification: Likely benign for Epileptic encephalopathy. Last evaluated: 2018-02-27. Review status: criteria provided, single submitter. Criteria: Invitae Variant Classification Sherloc (09022015). Collection method: clinical testing. Allele origin: germline.

NM_001036.6(RYR3):c.6690G>A (p.Pro2230=)

Gene: RYR3 (ryanodine receptor 3; plus strand). Cytogenetic location: 15q14.
Variant type: single nucleotide variant.
Coding change: c.6690G>A on transcript NM_001036.6 (MANE Select); coding-DNA position 6690, G replaced by A.
Protein change: p.Pro2230=; no amino-acid change (proline 2230 retained).
Molecular consequence: synonymous variant.
Genome position (GRCh38, 1-based): chr15:33,722,785, G>A. VCF-style: chr15-33722785-G-A. GRCh37 (hg19) VCF-style: chr15-34014986-G-A.
Other names: c.6690G>A, p.Pro2230= (NM_001243996.4).
Identifiers: ClinVar variation 750011 (VCV000750011.14), dbSNP rs757123345, ClinGen allele CA7459647.